The following is an entry in ClinVar:

NM_000157.4(GBA1):c.444del (p.Ser149fs)

Genes: GBA1 (glucosylceramidase beta 1; minus strand), LOC106627981 (GBA recombination region; plus strand). Cytogenetic location: 1q22.
Variant type: Deletion.
Coding change: c.444del on transcript NM_000157.4 (MANE Select); coding-DNA position 444, one base deleted (C; older notation c.444delC).
Protein change: p.Ser149fs; shifts the reading frame from serine 149.
Molecular consequence: frameshift variant. On other transcripts: intron variant (1).
Genome position (GRCh38, 1-based): chr1:155,239,626, G deleted on the plus strand (C on the coding strand, the reverse complement: GBA1 is on the minus strand). VCF-style (leftmost placement, unchanged base first): chr1-155239625-AG-A. GRCh37 (hg19) VCF-style: chr1-155209416-AG-A.
Other names: p.Ser149LeufsTer51; c.444del, p.Ser149fs (NM_001005741.3, NM_001005742.3); c.183del, p.Ser62fs (NM_001171811.2); c.307+260del (NM_001171812.2); short protein forms S149fs, S62fs.
Identifiers: ClinVar variation 2687881 (VCV002687881.2), dbSNP rs2524844480, ClinGen allele CA2648253281.

ClinVar aggregate classification (germline): Likely pathogenic (1 of 4 stars; one submission).

Conditions:
Gaucher disease type I (GD1). Also called: GD 1; GAUCHER DISEASE, NONCEREBRAL JUVENILE; GBA DEFICIENCY; GD I; Type 1 Gaucher Disease; GLUCOCEREBROSIDASE DEFICIENCY. Identifiers: Orphanet 355, Orphanet 77259, MedGen C1961835, MONDO:0009265, OMIM 230800.

Allele frequency attached by ClinVar (database versions not stated): gnomAD exomes below 0.00001.

Submission:

Foundation for Research in Genetics and Endocrinology, FRIGE's Institute of Human Genetics
Classification: Likely pathogenic for Gaucher disease type I. Last evaluated: 2024-01-25. Review status: criteria provided, single submitter. Criteria: ACMG Guidelines, 2015. Collection method: clinical testing. Allele origin: germline. Inheritance: Autosomal recessive inheritance. Affected: yes. Observed: 1 compound heterozygote.
Comment: A compound heterozygous single base pair deletion in exon 4 of the GBA gene that results in a frameshift and premature truncation of the protein was detected. The observed variant c.444del (p.Ser149LeufsTer51) has not been reported in the 1000 genomes and gnomAD databases. The in silico prediction of the variant is disease causing by DANN and MutationTaster2. The reference codon is conserved across species. In summary, the variant meets our criteria to be classified as likely pathogenic.